The following is an entry in ClinVar:

NM_000081.4(LYST):c.167C>T (p.Thr56Ile)

Gene: LYST (lysosomal trafficking regulator; minus strand). Cytogenetic location: 1q42.3.
Variant type: single nucleotide variant.
Coding change: c.167C>T on transcript NM_000081.4 (MANE Select); coding-DNA position 167, C replaced by T.
Protein change: p.Thr56Ile; replaces threonine 56 with isoleucine.
Molecular consequence: missense variant. On other transcripts: non-coding transcript variant (1).
Genome position (GRCh38, 1-based): chr1:235,830,251, G>A on the plus strand (C>T on the coding strand, the complement: LYST is on the minus strand). VCF-style: chr1-235830251-G-A. GRCh37 (hg19) VCF-style: chr1-235993551-G-A.
Other names: c.167C>T, p.Thr56Ile (NM_001301365.1); short protein forms T56I.
Identifiers: ClinVar variation 1524493 (VCV001524493.7), dbSNP rs2527300081, ClinGen allele CA344968540.

ClinVar aggregate classification (germline): Uncertain significance (1 of 4 stars; one submission).

Conditions:
Chédiak-Higashi syndrome (CHS). Also called: Chediak-Higashi Syndrome. Identifiers: Orphanet 167, MedGen C0007965, MONDO:0008963, OMIM 214500.

Submission:

Labcorp Genetics (formerly Invitae), Labcorp
Classification: Uncertain significance for Chédiak-Higashi syndrome. Last evaluated: 2022-05-27. Review status: criteria provided, single submitter. Criteria: Invitae Variant Classification Sherloc (09022015). Collection method: clinical testing. Allele origin: germline.
Comment: In summary, the available evidence is currently insufficient to determine the role of this variant in disease. Therefore, it has been classified as a Variant of Uncertain Significance. Algorithms developed to predict the effect of missense changes on protein structure and function are either unavailable or do not agree on the potential impact of this missense change (SIFT: "Tolerated"; PolyPhen-2: "Probably Damaging"; Align-GVGD: "Class C0"). This variant has not been reported in the literature in individuals affected with LYST-related conditions. This variant is not present in population databases (gnomAD no frequency). This sequence change replaces threonine, which is neutral and polar, with isoleucine, which is neutral and non-polar, at codon 56 of the LYST protein (p.Thr56Ile).